The following is an entry in ClinVar:

ClinVar aggregate classification (germline): Uncertain significance (1 of 4 stars; one submission).

Conditions:
Cardiovascular phenotype. Identifiers: MedGen CN230736.

gnomAD v4.1: 13 of 1,606,394 alleles (0.00081%); highest among the groups gnomAD compares: Admixed American, 0.0034%; no homozygotes.

Submission:

Ambry Genetics
Classification: Uncertain significance for Cardiovascular phenotype. Last evaluated: 2022-12-04. Review status: criteria provided, single submitter. Criteria: Ambry Variant Classification Scheme 2023. Collection method: clinical testing. Allele origin: germline.
Comment: The p.A509V variant (also known as c.1526C>T), located in coding exon 8 of the EPHB4 gene, results from a C to T substitution at nucleotide position 1526. The alanine at codon 509 is replaced by valine, an amino acid with similar properties. This amino acid position is conserved. In addition, the in silico prediction for this alteration is inconclusive. Since supporting evidence is limited at this time, the clinical significance of this alteration remains unclear.

NM_004444.5(EPHB4):c.1526C>T (p.Ala509Val)

Gene: EPHB4 (EPH receptor B4; minus strand). Cytogenetic location: 7q22.1.
Variant type: single nucleotide variant.
Coding change: c.1526C>T on transcript NM_004444.5 (MANE Select); coding-DNA position 1526, C replaced by T.
Protein change: p.Ala509Val; replaces alanine 509 with valine.
Molecular consequence: missense variant.
Genome position (GRCh38, 1-based): chr7:100,817,254, G>A on the plus strand (C>T on the coding strand, the complement: EPHB4 is on the minus strand). VCF-style: chr7-100817254-G-A. GRCh37 (hg19) VCF-style: chr7-100414876-G-A.
Other names: short protein forms A509V.
Identifiers: ClinVar variation 2450401 (VCV002450401.2), dbSNP rs146937374, ClinGen allele CA4392949.